The following is an entry in ClinVar:

NM_001613.4(ACTA2):c.535C>T (p.Arg179Cys)

Gene: ACTA2 (actin alpha 2, smooth muscle; minus strand). Cytogenetic location: 10q23.31.
Variant type: single nucleotide variant.
Coding change: c.535C>T on transcript NM_001613.4 (MANE Select); coding-DNA position 535, C replaced by T.
Protein change: p.Arg179Cys; replaces arginine 179 with cysteine.
Molecular consequence: missense variant.
Genome position (GRCh38, 1-based): chr10:88,941,310, G>A on the plus strand (C>T on the coding strand, the complement: ACTA2 is on the minus strand). VCF-style: chr10-88941310-G-A. GRCh37 (hg19) VCF-style: chr10-90701067-G-A.
Other names: c.535C>T, p.Arg179Cys (NM_001141945.3, NM_001320855.2, NM_001406462.1 and 3 more transcripts); c.424C>T, p.Arg142Cys (NM_001406466.1); c.406C>T, p.Arg136Cys (NM_001406467.1, NM_001406468.1, NM_001406469.1); short protein forms R179C, R136C, R142C.
Identifiers: ClinVar variation 265026 (VCV000265026.27), dbSNP rs886039303, ClinGen allele CA10588483.

ClinVar aggregate classification (germline): Pathogenic. Review status: criteria provided, multiple submitters, no conflicts (2 of 4 stars). 8 submissions from 8 submitters: Pathogenic (7). 1 of the submissions does not count toward it. Last evaluated 2025-09-15.

Conditions:
Aortic aneurysm, familial thoracic 6 (AAT6). Also called: FAMILIAL THORACIC AORTIC ANEURYSM WITH LIVEDO RETICULARIS AND IRIS FLOCCULI. Identifiers: MedGen C2673186, MONDO:0012730, OMIM 611788.
Familial aortopathy. Identifiers: MedGen CN078214.
Multisystemic smooth muscle dysfunction syndrome (SMDYS). Also called: MYDRIASIS, CONGENITAL, WITH PATENT DUCTUS ARTERIOSUS, THORACIC AORTIC ANEURYSM, AND VASCULOPATHY; SMOOTH MUSCLE DYSFUNCTION SYNDROME. Identifiers: Orphanet 404463, MedGen C3151201, MONDO:0013452, OMIM 613834.
Familial thoracic aortic aneurysm and aortic dissection (TAAD). Also called: Thoracic aortic aneurysms and dissections. Identifiers: Orphanet 91387, MedGen C4707243, MONDO:0019625.

Submissions (8):

Ambry Genetics
Classification: Pathogenic for Familial thoracic aortic aneurysm and aortic dissection. Last evaluated: 2025-09-15. Review status: criteria provided, single submitter. Criteria: Ambry Variant Classification Scheme 2023. Collection method: clinical testing. Allele origin: germline.
Comment: The p.R179C pathogenic mutation (also known as c.535C>T), located in coding exon 5 of the ACTA2 gene, results from a C to T substitution at nucleotide position 535. The arginine at codon 179 is replaced by cysteine, an amino acid with highly dissimilar properties. This variant was reported in individual(s) with features consistent with ACTA2-related vascular disorders; in at least one individual, it was determined to be de novo or the result of germline mosaicism (Meuwissen ME et al. Am J Med Genet A, 2013 Jun;161A:1376-80; Leong O et al. J Paediatr Child Health, 2016 Aug;52:842-6; Taubenslag KJ et al. Br J Ophthalmol, 2019 Apr;103:499-503; de Grazia J et al. Brain Dev, 2017 Jan;39:62-66; Kanamori K et al. Brain Dev, 2021 Apr;43:585-589). Another variant at the same codon, p.R179H (c.536G>A), has been identified in individual(s) with features consistent with ACTA2-related vascular disorders (Milewicz DM et al. Am J Med Genet A. 2010;152A(10):2437-2443). This amino acid position is highly conserved in available vertebrate species. In addition, this alteration is predicted to be deleterious by in silico analysis. This variant is considered to be rare based on population cohorts in the Genome Aggregation Database (gnomAD). Based on the supporting evidence, this variant is interpreted as a disease-causing mutation.

Labcorp Genetics (formerly Invitae), Labcorp
Classification: Pathogenic for Aortic aneurysm, familial thoracic 6. Last evaluated: 2024-07-17. Review status: criteria provided, single submitter. Criteria: Invitae Variant Classification Sherloc (09022015). Collection method: clinical testing. Allele origin: germline.
Comment: This sequence change replaces arginine, which is basic and polar, with cysteine, which is neutral and slightly polar, at codon 179 of the ACTA2 protein (p.Arg179Cys). This variant is not present in population databases (gnomAD no frequency). This missense change has been observed in individual(s) with multisystemic smooth muscle dysfunction syndrome and childhood cardiovascular, autonomic and brain anomalies and aortic dissection or aneurysm (PMID: 23613326, 25759435, 27481187, 27567161). In at least one individual the variant was observed to be de novo. ClinVar contains an entry for this variant (Variation ID: 265026). Advanced modeling of protein sequence and biophysical properties (such as structural, functional, and spatial information, amino acid conservation, physicochemical variation, residue mobility, and thermodynamic stability) performed at Invitae indicates that this missense variant is not expected to disrupt ACTA2 protein function with a negative predictive value of 80%. This variant disrupts the p.Arg179 amino acid residue in ACTA2. Other variant(s) that disrupt this residue have been determined to be pathogenic (PMID: 20734336, 22752479, 22946110, 24293535, 24621862, 24998021, 26034244). This suggests that this residue is clinically significant, and that variants that disrupt this residue are likely to be disease-causing. For these reasons, this variant has been classified as Pathogenic.

GeneDx
Classification: Pathogenic. Last evaluated: 2024-06-04. Review status: criteria provided, single submitter. Criteria: GeneDx Variant Classification Process June 2021. Collection method: clinical testing. Allele origin: germline. Affected: yes.
Comment: Identified in individuals with aortic aneurysms and multisystemic smooth muscle dysfunction syndrome referred for genetic testing at GeneDx in the published literature (PMID: 27481187, 23613326, 27567161, 27244053); In silico analysis supports that this missense variant has a deleterious effect on protein structure/function; Not observed at significant frequency in large population cohorts (gnomAD); This variant is associated with the following publications: (PMID: 30300893, 27567161, 25759435, 27244053, 29300374, 24621862, 29875232, 33199432, 33342581, 34193752, 36909460, 35878552, 37886459, 27481187, 23613326)

3billion
Classification: Pathogenic for Multisystemic smooth muscle dysfunction syndrome. Last evaluated: 2023-06-19. Review status: criteria provided, single submitter. Criteria: ACMG Guidelines, 2015. Collection method: clinical testing. Allele origin: germline. Affected: yes.
Comment: The variant is not observed in the gnomAD v2.1.1 dataset. Predicted Consequence/Location: Missense changes are a common disease-causing mechanism. In silico tool predictions suggest damaging effect of the variant on gene or gene product (REVEL: 0.93; 3Cnet: 0.98). Same nucleotide change resulting in same amino acid change (ClinVar ID: VCV000265026 /PMID: 23613326) and different missense changes at the same codon (p.Arg179Gly, p.Arg179His, p.Arg179Leu, p.Arg179Ser / ClinVar ID: VCV000029598, VCV000911956, VCV000986791 /PMID: 20734336, 22831780, 29300374, 35567597)have been previously reported as pathogenic/likely pathogenic with strong evidence. Therefore, this variant is classified as Pathogenic according to the recommendation of ACMG/AMP guideline.

Victorian Clinical Genetics Services, Murdoch Childrens Research Institute
Classification: Pathogenic for Multisystemic smooth muscle dysfunction syndrome. Last evaluated: 2022-02-02. Review status: criteria provided, single submitter. Criteria: ACMG Guidelines, 2015. Collection method: clinical testing. Allele origin: germline. Inheritance: Autosomal dominant inheritance. Affected: yes.
Comment: Based on the classification scheme VCGS_Germline_v1.3.4, this variant is classified as Pathogenic. Following criteria are met: 0104 - Dominant negative is a known mechanism of disease in this gene and is associated with familial thoracic aortic aneurysm 6 (MIM#611788), Moyamoya disease 5 (MIM#614042) and multisystemic smooth muscle dysfunction syndrome (MIM#613834) (PMID: 27551047, 28652363). (I) 0107 - This gene is associated with autosomal dominant disease. (I) 0200 - Variant is predicted to result in a missense amino acid change from arginine to cysteine. (I) 0251 - This variant is heterozygous. (I) 0301 - Variant is absent from gnomAD (both v2 and v3). (SP) 0501 - Missense variant consistently predicted to be damaging by multiple in silico tools or highly conserved with a major amino acid change. (SP) 0600 - Variant is located in the annotated Actin domain (DECIPHER). (I) 0701 - Other missense variants comparable to the one identified in this case have very strong previous evidence for pathogenicity. Alternative changes to leucine, histidine and serine have been reported in individuals with smooth muscle dysfunction syndrome (ClinVar, PMID: 29300374). (SP) 0801 - This variant has strong previous evidence of pathogenicity in unrelated individuals. This is a recurrent pathogenic variant in individuals with multisystemic smooth muscle dysfunction syndrome (ClinVar, PMID: 23613326, PMID: 29300374). (SP) Legend: (SP) - Supporting pathogenic, (I) - Information, (SB) - Supporting benign

Rady Children's Institute for Genomic Medicine, Rady Children's Hospital San Diego
Classification: Pathogenic for MULTISYSTEMIC SMOOTH MUSCLE DYSFUNCTION SYNDROME. Last evaluated: 2019-11-21. Review status: criteria provided, single submitter. Criteria: ACMG Guidelines, 2015. Collection method: clinical testing. Allele origin: germline. Affected: yes.
Comment: The p.Arg179Cys variant has been previously reported as de novo in patients with multisystemic smooth muscle dysfunction syndrome (MSMDS) disorder (PMID: 23613326, 27567161, 27244053, 27481187, 29875232). Multiple missense alterations at the same amino acid residue, including the recurrent p.Arg179His substitution, have been reported in association with MSMDS (PMID: 22831780, 24621862, 20734336, 26034244, 22752479, 24998021, 22946110, 24293535). Functional in-vitro studies variant using a baculovirus/insect cell system showed the p.Arg179Cys variant severely affects smooth muscle alpha-actin functions (PMID: 26153420). The p.Arg179Cys variant is absent from the ExAC and gnomAD population databases and thus is presumed to be rare. In silico analyses support a deleterious effect of the p.Arg179Cys variant on protein function. Analysis of the parental samples was negative for the variant, indicating this variant likely occurred as a de novo event. Based on the available evidence, the c.535C>T (p.Arg179Cys) variant is classified as Pathogenic.

Women's Health and Genetics/Laboratory Corporation of America, LabCorp
Classification: Pathogenic for Familial aortopathy. Last evaluated: 2018-02-20. Review status: criteria provided, single submitter. Criteria: LabCorp Variant Classification Summary - May 2015. Collection method: clinical testing. Allele origin: germline.
Comment: Variant summary: ACTA2 c.535C>T (p.Arg179Cys) results in a non-conservative amino acid change in the encoded protein sequence indicated to be located near a key protein-protein interaction site (Moreno_2016). Five of five in-silico tools predict a damaging effect of the variant on protein function. However, these predictions have yet to be functionally asssessed. The variant was absent in 121348 control chromosomes (ExAC). Multiple publications have cited the variant in affected individuals presenting with a multisystemic smooth muscle dysfunction syndrome (MSMDS) and aortic event. Multiple studies indicate the variant was a de novo occurrence (Meuwissen_2012 and Moreno_2016). In addition, other variants affecting the same codon, Arg179His and Arg179Lys, have been reported in affected individuals indicating a potential mutational hot spot. One clinical diagnostic laboratory has submitted a clinical-significance assessments of "likely pathogenic" for this variant to ClinVar after 2014. Based on the evidence outlined above, the variant was classified as pathogenic.

OMIM
Classification: Pathogenic for SMOOTH MUSCLE DYSFUNCTION SYNDROME. Last evaluated: 2024-02-08. Review status: no assertion criteria provided. Collection method: literature only. Allele origin: germline. Not counted in ClinVar's aggregate classification.

Literature cited by the submitters: PubMed 23613326 (cited by 5 submitters); PubMed 27244053 (cited by Ambry Genetics); PubMed 27567161 (cited by 3 submitters); PubMed 29875232 (cited by Ambry Genetics); PubMed 33342581 (cited by Ambry Genetics); PubMed 25759435 (cited by Labcorp Genetics (formerly Invitae), Labcorp); PubMed 27481187 (cited by 3 submitters); PubMed 20734336 (cited by Labcorp Genetics (formerly Invitae), Labcorp and 3billion); PubMed 22752479 (cited by Labcorp Genetics (formerly Invitae), Labcorp); PubMed 22946110 (cited by Labcorp Genetics (formerly Invitae), Labcorp); PubMed 24293535 (cited by Labcorp Genetics (formerly Invitae), Labcorp); PubMed 24621862 (cited by Labcorp Genetics (formerly Invitae), Labcorp); PubMed 24998021 (cited by Labcorp Genetics (formerly Invitae), Labcorp); PubMed 26034244 (cited by Labcorp Genetics (formerly Invitae), Labcorp); PubMed 27551047 (cited by Victorian Clinical Genetics Services, Murdoch Childrens Research Institute); PubMed 28652363 (cited by Victorian Clinical Genetics Services, Murdoch Childrens Research Institute); PubMed 29300374 (cited by Victorian Clinical Genetics Services, Murdoch Childrens Research Institute and OMIM).